The following is an entry in ClinVar:

ClinVar aggregate classification (germline): Uncertain significance (1 of 4 stars; one submission).

Conditions:
Anemia, congenital dyserythropoietic, type 1a (CDAN1A). Also called: CDAN1-Related Congenital Dyserythropoietic Anemia; DYSERYTHROPOIETIC ANEMIA, CONGENITAL, TYPE Ia. Identifiers: MedGen C5574667, MONDO:0009135, OMIM 224120.

gnomAD v4.1: 1 of 1,614,190 alleles (0.000062%); highest among the groups gnomAD compares: Non-Finnish European, 0.000085%; no homozygotes.

Submission:

St. Jude Molecular Pathology, St. Jude Children's Research Hospital
Classification: Uncertain significance for Anemia, congenital dyserythropoietic, type 1a. Last evaluated: 2026-02-11. Review status: criteria provided, single submitter. Criteria: St. Jude Assertion Criteria 2020. Collection method: clinical testing. Allele origin: germline.
Comment: The CDAN1 c.1855T>G p.(Trp619Gly) missense change has a maximum subpopulation frequency of 0.00088% in gnomAD v2.1.1. The in silico tool REVEL is inconclusive about a pathogenic or benign effect of this variant on protein function. To our knowledge, this variant has not been reported in the literature in individuals with congenital dyserythropoietic anemia. In summary, the evidence currently available is insufficient to determine the clinical significance of this variant. It has therefore been classified as of uncertain significance.

NM_138477.4(CDAN1):c.1855T>G (p.Trp619Gly)

Gene: CDAN1 (codanin 1; minus strand). Cytogenetic location: 15q15.2.
Variant type: single nucleotide variant.
Coding change: c.1855T>G on transcript NM_138477.4 (MANE Select); coding-DNA position 1855, T replaced by G.
Protein change: p.Trp619Gly; replaces tryptophan 619 with glycine.
Molecular consequence: missense variant.
Genome position (GRCh38, 1-based): chr15:42,731,216, A>C on the plus strand (T>G on the coding strand, the complement: CDAN1 is on the minus strand). VCF-style: chr15-42731216-A-C. GRCh37 (hg19) VCF-style: chr15-43023414-A-C.
Other names: short protein forms W619G.
Identifiers: ClinVar variation 4813156 (VCV004813156.1).